The following is an entry in ClinVar:

NM_001009944.3(PKD1):c.3228G>A (p.Pro1076=)

Gene: PKD1 (polycystin 1, transient receptor potential channel interacting; minus strand). Cytogenetic location: 16p13.3.
Variant type: single nucleotide variant.
Coding change: c.3228G>A on transcript NM_001009944.3 (MANE Select); coding-DNA position 3228, G replaced by A.
Protein change: p.Pro1076=; no amino-acid change (proline 1076 retained).
Molecular consequence: synonymous variant.
Genome position (GRCh38, 1-based): chr16:2,112,407, C>T on the plus strand (G>A on the coding strand, the complement: PKD1 is on the minus strand). VCF-style: chr16-2112407-C-T. GRCh37 (hg19) VCF-style: chr16-2162408-C-T.
Other names: c.3228G>A, p.Pro1076= (NM_000296.4).
Identifiers: ClinVar variation 256946 (VCV000256946.12), dbSNP rs2575316, ClinGen allele CA7832881.

ClinVar aggregate classification (germline): Conflicting classifications of pathogenicity. Review status: criteria provided, conflicting classifications (1 of 4 stars). 5 submissions from 5 submitters: Uncertain significance (1); Likely benign (4). Last evaluated 2026-08-27.

Conditions:
Polycystic kidney disease, adult type (PKD1). Also called: POLYCYSTIC KIDNEY DISEASE 1 WITH OR WITHOUT POLYCYSTIC LIVER DISEASE; Polycystic Kidney Disease 1, Autosomal Dominant; Polycystic kidney disease 1; Polycystic kidney disease 1, severe; Polycystic Kidney, Autosomal Dominant; POLYCYSTIC KIDNEY DISEASE, ADULT, TYPE I. Identifiers: MedGen C3149841, MONDO:0008263, OMIM 173900.

Allele frequency attached by ClinVar (database versions not stated): gnomAD 0.00045; 1000 Genomes Project 30x 0.00031; ExAC 0.00033; gnomAD exomes 0.00035; 1000 Genomes Project 0.00040; TOPMed 0.00040.
gnomAD v4.1: 684 of 1,586,692 alleles (0.043%); highest among the groups gnomAD compares: Non-Finnish European, 0.05%; 1 homozygote.

Submissions (5):

GeneDx
Classification: Uncertain significance. Last evaluated: 2026-08-27. Review status: criteria provided, single submitter. Criteria: GeneDx Variant Classification Process June 2021. Collection method: clinical testing. Allele origin: germline.
Comment: In silico analysis suggests this variant may impact gene splicing. In the absence of RNA/functional studies, the actual effect of this sequence change is unknown.; This variant is associated with the following publications: (PMID: 17574468)

CeGaT Center for Human Genetics Tuebingen
Classification: Likely benign. Last evaluated: 2025-09-01. Review status: criteria provided, single submitter. Criteria: CeGaT Center For Human Genetics Tuebingen Variant Classification Criteria Version 2. Collection method: clinical testing. Allele origin: germline. Affected: yes. Observed: 1 variant allele.
Comment: PKD1: BS2

Blueprint Genetics
Classification: Likely benign. Last evaluated: 2024-08-26. Review status: criteria provided, single submitter. Criteria: ACMG Guidelines, 2015. Collection method: clinical testing. Allele origin: germline.

Fulgent Genetics
Classification: Likely benign for Polycystic kidney disease, adult type. Last evaluated: 2021-10-19. Review status: criteria provided, single submitter. Criteria: ACMG Guidelines, 2015. Collection method: clinical testing. Allele origin: unknown.

PreventionGenetics, part of Exact Sciences
Classification: Likely benign. Review status: criteria provided, single submitter. Criteria: ACMG Guidelines, 2015. Collection method: clinical testing. Allele origin: germline.